The following is an entry in ClinVar:

ClinVar aggregate classification (germline): Likely benign. Review status: criteria provided, multiple submitters, no conflicts (2 of 4 stars). 4 submissions from 4 submitters: Likely benign (4). Last evaluated 2026-07-04.

Conditions:
Familial thoracic aortic aneurysm and aortic dissection (TAAD). Also called: Thoracic aortic aneurysms and dissections. Identifiers: Orphanet 91387, MedGen C4707243, MONDO:0019625.
Aortic aneurysm, familial thoracic 6 (AAT6). Also called: FAMILIAL THORACIC AORTIC ANEURYSM WITH LIVEDO RETICULARIS AND IRIS FLOCCULI. Identifiers: MedGen C2673186, MONDO:0012730, OMIM 611788.

Allele frequency attached by ClinVar (database versions not stated): gnomAD exomes 0.00001 and 0.00002; ExAC 0.00003.
gnomAD v4.1: 14 of 1,614,036 alleles (0.00087%); highest among the groups gnomAD compares: South Asian, 0.015%; no homozygotes.

Submissions (4):

Ambry Genetics
Classification: Likely benign for Familial thoracic aortic aneurysm and aortic dissection. Last evaluated: 2026-07-04. Review status: criteria provided, single submitter. Criteria: Ambry Variant Classification Scheme 2023. Collection method: clinical testing. Allele origin: germline.

Labcorp Genetics (formerly Invitae), Labcorp
Classification: Likely benign for Aortic aneurysm, familial thoracic 6. Last evaluated: 2026-01-19. Review status: criteria provided, single submitter. Criteria: Invitae Variant Classification Sherloc (09022015). Collection method: clinical testing. Allele origin: germline.

All of Us Research Program, National Institutes of Health
Classification: Likely benign for Familial thoracic aortic aneurysm and aortic dissection. Last evaluated: 2024-08-13. Review status: criteria provided, single submitter. Criteria: ACMG Guidelines, 2015. Collection method: clinical testing. Allele origin: germline. Inheritance: Autosomal dominant inheritance. Observed: 1 variant allele, 1 heterozygote.
Comment: This study involves interpretation of variants in research participants for the purpose of population health screening. Participant phenotype was not available at the time of variant classification. Additional details can be found in publication PMID: 35346344, PMCID: PMC8962531

Color Diagnostics, LLC DBA Color Health
Classification: Likely benign for Familial thoracic aortic aneurysm and aortic dissection. Last evaluated: 2019-09-09. Review status: criteria provided, single submitter. Criteria: ACMG Guidelines, 2015. Collection method: clinical testing. Allele origin: germline.

NM_001613.4(ACTA2):c.72T>C (p.Ala24=)

Gene: ACTA2 (actin alpha 2, smooth muscle; minus strand). Cytogenetic location: 10q23.31.
Variant type: single nucleotide variant.
Coding change: c.72T>C on transcript NM_001613.4 (MANE Select); coding-DNA position 72, T replaced by C.
Protein change: p.Ala24=; no amino-acid change (alanine 24 retained).
Molecular consequence: synonymous variant.
Genome position (GRCh38, 1-based): chr10:88,948,859, A>G on the plus strand (T>C on the coding strand, the complement: ACTA2 is on the minus strand). VCF-style: chr10-88948859-A-G. GRCh37 (hg19) VCF-style: chr10-90708616-A-G.
Other names: c.72T>C, p.Ala24= (NM_001141945.3, NM_001320855.2, NM_001406462.1 and 7 more transcripts).
Identifiers: ClinVar variation 925694 (VCV000925694.10), dbSNP rs773996169, ClinGen allele CA029379.